The following is an entry in ClinVar:

ClinVar aggregate classification (germline): Pathogenic/Likely pathogenic. Review status: criteria provided, multiple submitters, no conflicts (2 of 4 stars). 10 submissions from 10 submitters: Pathogenic (6); Likely pathogenic (1). 3 of the submissions do not count toward it. Last evaluated 2026-01-08.

Conditions:
PRMT7-related disorder. Also called: PRMT7-related condition.
Neurodevelopmental abnormality. Identifiers: MedGen C4022737, HP:0012759.
Short stature-brachydactyly-obesity-global developmental delay syndrome. Also called: SHORT STATURE, BRACHYDACTYLY, IMPAIRED INTELLECTUAL DEVELOPMENT, AND SEIZURES; Short stature, brachydactyly, intellectual developmental disability, and seizures. Identifiers: Orphanet 464288, MedGen C4310689, MONDO:0014944, OMIM 617157.

Allele frequency attached by ClinVar (database versions not stated): TOPMed 0.00005; ExAC 0.00007; gnomAD 0.00007 and 0.00008; gnomAD exomes 0.00007 and 0.00014; ESP Exome Variant Server 0.00023.
gnomAD v4.1: 208 of 1,613,354 alleles (0.013%); highest among the groups gnomAD compares: Non-Finnish European, 0.017%; no homozygotes.

Submissions (10):

GeneDx
Classification: Pathogenic. Last evaluated: 2026-01-08. Review status: criteria provided, single submitter. Criteria: GeneDx Variant Classification Process June 2021. Collection method: clinical testing. Allele origin: germline. Affected: yes.
Comment: Canonical splice site variant predicted to result in a null allele in a gene for which loss of function is a known mechanism of disease; This variant is associated with the following publications: (PMID: 22527104, 30513135, 30006058, 28902392, 31589614, 36399134, 26437029)

Victorian Clinical Genetics Services, Murdoch Childrens Research Institute
Classification: Pathogenic for Short stature-brachydactyly-obesity-global developmental delay syndrome. Last evaluated: 2025-10-14. Review status: criteria provided, single submitter. Criteria: ACMG Guidelines, 2015. Collection method: clinical testing. Allele origin: germline. Affected: yes.
Comment: This variant is classified as Pathogenic. Evidence in support of pathogenic classification: Canonical splice site variant without proven consequence on splicing (no functional evidence available); Variant is present in gnomAD <0.01 for a recessive condition (v4: 208 heterozygote(s), 0 homozygote(s)); This variant has strong previous evidence of pathogenicity in unrelated individuals. This variant has been classified as likely pathogenic/pathogenic by multiple clinical laboratories in ClinVar; Abnormal splicing is predicted by in silico tool and affected nucleotide is highly conserved. Additional information: This variant is heterozygous; This gene is associated with autosomal recessive disease; Alternative nucleotide change(s) at the same canonical splice site are present in gnomAD (Highest allele count: v4: 2 heterozygote(s), 0 homozygote(s)); Loss of function is a known mechanism of disease in this gene and is associated with short stature, brachydactyly, intellectual developmental disability, and seizures (MIM#617157); Heterozygous variant detected in trans with a second likely PATHOGENIC heterozygous variant (NM_019023.5(PRMT7):c.1159A>G; p.(Arg387Gly)) in a recessive disease.

Labcorp Genetics (formerly Invitae), Labcorp
Classification: Pathogenic. Last evaluated: 2025-06-29. Review status: criteria provided, single submitter. Criteria: Invitae Variant Classification Sherloc (09022015). Collection method: clinical testing. Allele origin: germline.
Comment: This sequence change affects an acceptor splice site in intron 10 of the PRMT7 gene. It is expected to disrupt RNA splicing. Variants that disrupt the donor or acceptor splice site typically lead to a loss of protein function (PMID: 16199547), and loss-of-function variants in PRMT7 are known to be pathogenic (PMID: 26437029, 27718516). This variant is present in population databases (rs201824659, gnomAD 0.01%). Disruption of this splice site has been observed in individual(s) with intellectual disability, obesity, and shortened phalanges (PMID: 2643702). It has also been observed to segregate with disease in related individuals. ClinVar contains an entry for this variant (Variation ID: 266024). Algorithms developed to predict the effect of sequence changes on RNA splicing suggest that this variant may disrupt the consensus splice site. For these reasons, this variant has been classified as Pathogenic.

Women's Health and Genetics/Laboratory Corporation of America, LabCorp
Classification: Pathogenic for Short stature-brachydactyly-obesity-global developmental delay syndrome. Last evaluated: 2023-07-12. Review status: criteria provided, single submitter. Criteria: LabCorp Variant Classification Summary - May 2015. Collection method: clinical testing. Allele origin: germline.
Comment: Variant summary: PRMT7 c.1056-1G>T is located in a canonical splice-site and is predicted to affect mRNA splicing resulting in a significantly altered protein due to either exon skipping, shortening, or inclusion of intronic material. Several computational tools predict a significant impact on normal splicing: Two predict the variant abolishes a 3' acceptor site. Two predict the variant creates a 3' acceptor site. However, these predictions have yet to be confirmed by functional studies. The variant allele was found at a frequency of 6.8e-05 in 250392 control chromosomes. c.1056-1G>T has been reported in the literature in multiple individuals affected with Short Stature, Brachydactyly, Intellectual Developmental Disability, And Seizures (Cali_2023, Akawi_2015). These data indicate that the variant is very likely to be associated with disease. To our knowledge, no experimental evidence demonstrating an impact on protein function has been reported. The following publications have been ascertained in the context of this evaluation (PMID: 26437029, 36399134). Six submitters have cited clinical-significance assessments for this variant to ClinVar after 2014 and classified as pathogenic/likely pathogenic (n=5) and benign (n=1) . Based on the evidence outlined above, the variant was classified as pathogenic.

Institute for Clinical Genetics, University Hospital TU Dresden, University Hospital TU Dresden
Classification: Pathogenic. Last evaluated: 2021-11-03. Review status: criteria provided, single submitter. Criteria: ACMG Guidelines, 2015. Collection method: clinical testing. Allele origin: germline.

Blueprint Genetics
Classification: Pathogenic for PRMT7-related disorders. Last evaluated: 2021-07-14. Review status: criteria provided, single submitter. Criteria: ACMG Guidelines, 2015. Collection method: clinical testing. Allele origin: germline. Affected: yes. Observed: 2 variant alleles.

Revvity Omics, Revvity
Classification: Likely pathogenic for Short stature-brachydactyly-obesity-global developmental delay syndrome. Last evaluated: 2019-12-26. Review status: criteria provided, single submitter. Criteria: ACMG Guidelines, 2015. Collection method: clinical testing. Allele origin: germline.

PreventionGenetics, part of Exact Sciences
Classification: Pathogenic for PRMT7-related condition. Last evaluated: 2024-04-30. Review status: no assertion criteria provided. Collection method: clinical testing. Allele origin: germline. Not counted in ClinVar's aggregate classification.
Comment: The PRMT7 c.1056-1G>T variant is predicted to disrupt the AG splice acceptor site and interfere with normal splicing. This variant in the homozygous or along with a second allele in this gene has been reported multiple individuals with pseudohypoparathyroidism (Akawi et al. 2015. PubMed ID: 26437029; Table S1, Cali et al. 2022. PubMed ID: 36399134). This variant is reported in 0.013% of alleles in individuals of European (Non-Finnish) descent in gnomAD. Variants that disrupt the consensus splice acceptor site in PRMT7 are expected to be pathogenic. This variant is interpreted as pathogenic.

OMIM
Classification: Pathogenic for SHORT STATURE, BRACHYDACTYLY, IMPAIRED INTELLECTUAL DEVELOPMENT, AND SEIZURES. Last evaluated: 2020-07-03. Review status: no assertion criteria provided. Collection method: literature only. Allele origin: germline. Not counted in ClinVar's aggregate classification.

Department of Genetics, Rouen University Hospital, Normandy Center for Genomic and Personalized Medicine
Classification: Pathogenic for Neurodevelopmental abnormality. Last evaluated: 2020-06-04. Review status: no assertion criteria provided. Collection method: clinical testing. Allele origin: maternal. Affected: yes. Not counted in ClinVar's aggregate classification.

Literature cited by the submitters: PubMed 16199547 (cited by Labcorp Genetics (formerly Invitae), Labcorp); PubMed 26437029 (cited by 3 submitters); PubMed 27718516 (cited by Labcorp Genetics (formerly Invitae), Labcorp); PubMed 2643702 (cited by Labcorp Genetics (formerly Invitae), Labcorp); PubMed 36399134 (cited by Women's Health and Genetics/Laboratory Corporation of America, LabCorp).

NM_019023.5(PRMT7):c.1056-1G>T

Gene: PRMT7 (protein arginine methyltransferase 7; plus strand). Cytogenetic location: 16q22.1.
Variant type: single nucleotide variant.
Coding change: c.1056-1G>T on transcript NM_019023.5 (MANE Select); the canonical splice acceptor site of the intron before coding-DNA position 1056, G replaced by T.
Molecular consequence: splice acceptor variant.
Genome position (GRCh38, 1-based): chr16:68,346,144, G>T. VCF-style: chr16-68346144-G-T. GRCh37 (hg19) VCF-style: chr16-68380047-G-T.
Other names: 1056-1G-T; c.819-1G>T (NM_001378022.1, NM_001378021.1, NM_001378023.1); c.1056-1G>T (NM_001351143.3, NM_001351144.3, NM_001378018.1 and 1 more transcripts); c.906-1G>T (NM_001184824.4); c.849-1G>T (NM_001378020.1).
Identifiers: ClinVar variation 266024 (VCV000266024.28), dbSNP rs201824659, ClinGen allele CA8127318.